The following is an entry in ClinVar:

ClinVar aggregate classification (germline): Likely pathogenic (1 of 4 stars; one submission).

Conditions:
Cystinuria (CSNU). Also called: CYSTINURIA, TYPE I; CYSTINURIA, TYPE II; CYSTINURIA, TYPE III; Cystinuria, non-type I. Identifiers: Orphanet 214, MedGen C0010691, MONDO:0009067, OMIM 220100, HP:0003131.

gnomAD v4.1: 3 of 1,613,898 alleles (0.00019%); highest among the groups gnomAD compares: Non-Finnish European, 0.00017%; no homozygotes.

Submission:

Institute of Immunology and Genetics Kaiserslautern
Classification: Likely pathogenic for Cystinuria. Last evaluated: 2025-08-11. Review status: criteria provided, single submitter. Criteria: ACMG Guidelines, 2015. Collection method: clinical testing. Allele origin: germline. Affected: yes.
Comment: ACMG Criteria: PM1, PM2_P, PP1, PP3, PP4; Variant was found in homozygous state.

NM_014270.5(SLC7A9):c.530A>G (p.Gln177Arg)

Gene: SLC7A9 (solute carrier family 7 member 9; minus strand). Cytogenetic location: 19q13.11.
Variant type: single nucleotide variant.
Coding change: c.530A>G on transcript NM_014270.5 (MANE Select); coding-DNA position 530, A replaced by G.
Protein change: p.Gln177Arg; replaces glutamine 177 with arginine.
Molecular consequence: missense variant.
Genome position (GRCh38, 1-based): chr19:32,862,535, T>C on the plus strand (A>G on the coding strand, the complement: SLC7A9 is on the minus strand). VCF-style: chr19-32862535-T-C. GRCh37 (hg19) VCF-style: chr19-33353441-T-C.
Other names: c.530A>G, p.Gln177Arg (NM_001126335.2, NM_001243036.2); short protein forms Q177R.
Identifiers: ClinVar variation 4279041 (VCV004279041.1).